The following is an entry in ClinVar:

NM_001122681.2(SH3BP2):c.-4-8148C>T

Genes: SH3BP2 (SH3 domain binding protein 2; plus strand), LOC106804089 (nonconserved acetylation island sequence 125 enhancer; plus strand). Cytogenetic location: 4p16.3.
Variant type: single nucleotide variant.
Coding change: c.-4-8148C>T on transcript NM_001122681.2 (MANE Select); 8148 bases into the intron before 4 bases upstream of the start codon, C replaced by T.
Molecular consequence: intron variant. On other transcripts: synonymous variant (1).
Genome position (GRCh38, 1-based): chr4:2,812,466, C>T. VCF-style: chr4-2812466-C-T. GRCh37 (hg19) VCF-style: chr4-2814193-C-T.
Other names: c.69C>T, p.Val23= (NM_001145855.2).
Identifiers: ClinVar variation 3058905 (VCV003058905.3), dbSNP rs764614647, ClinGen allele CA2818860.

ClinVar aggregate classification (germline): Likely benign. Review status: criteria provided, single submitter (1 of 4 stars). 2 submissions from 2 submitters: Likely benign (1). 1 of the submissions does not count toward it. Last evaluated 2024-09-30.

Conditions:
SH3BP2-related disorder. Also called: SH3BP2-related condition.

Allele frequency attached by ClinVar (database versions not stated): TOPMed 0.00003; gnomAD exomes 0.00004; gnomAD 0.00005; ExAC 0.00019.
gnomAD v4.1: 56 of 1,550,026 alleles (0.0036%); highest among the groups gnomAD compares: Non-Finnish European, 0.0012%; no homozygotes.

Submissions (2):

Blueprint Genetics
Classification: Likely benign. Last evaluated: 2024-09-30. Review status: criteria provided, single submitter. Criteria: ACMG Guidelines, 2015. Collection method: clinical testing. Allele origin: germline.

PreventionGenetics, part of Exact Sciences
Classification: Likely benign for SH3BP2-related condition. Last evaluated: 2022-05-10. Review status: no assertion criteria provided. Collection method: clinical testing. Allele origin: germline. Not counted in ClinVar's aggregate classification.
Comment: This variant is classified as likely benign based on ACMG/AMP sequence variant interpretation guidelines (Richards et al. 2015 PMID: 25741868, with internal and published modifications).